The following is an entry in ClinVar:

NC_000019.10:g.42032860_42297536del

Genes: CIC (capicua transcriptional repressor; plus strand), DEDD2 (death effector domain containing 2; minus strand), ERF (ETS2 repressor factor; minus strand), GRIK5 (glutamate ionotropic receptor kainate type subunit 5; minus strand), GSK3A (glycogen synthase kinase 3 alpha; minus strand) and 40 more. Cytogenetic location: 19q13.2.
Variant type: Deletion.
Identifiers: ClinVar variation 1064660 (VCV001064660.2).

ClinVar aggregate classification (germline): Pathogenic (0 of 4 stars; one submission).

Conditions:
Syndromic craniosynostosis. Identifiers: Orphanet 139393, MedGen C5680624, MONDO:0015338.

Submission:

Wilkie Group, Clinical Genetics Lab, WIMM, University of Oxford
Classification: Pathogenic for Syndromic craniosynostosis. Last evaluated: 2021-01-01. Review status: no assertion criteria provided. Collection method: clinical testing. Allele origin: de novo. Affected: yes.
Comment: De novo (paternal origin)